The following is an entry in ClinVar:

ClinVar aggregate classification (germline): Uncertain significance. Review status: criteria provided, multiple submitters, no conflicts (2 of 4 stars). 2 submissions from 2 submitters: Uncertain significance (2). Last evaluated 2025-12-06.

Conditions:
Inborn genetic diseases. Identifiers: MedGen C0950123, MeSH D030342.

gnomAD v4.1: 23 of 1,581,698 alleles (0.0015%); highest among the groups gnomAD compares: South Asian, 0.0046%; no homozygotes.

Submissions (2):

Labcorp Genetics (formerly Invitae), Labcorp
Classification: Uncertain significance. Last evaluated: 2025-12-06. Review status: criteria provided, single submitter. Criteria: Invitae Variant Classification Sherloc (09022015). Collection method: clinical testing. Allele origin: germline.
Comment: This sequence change replaces valine, which is neutral and non-polar, with methionine, which is neutral and non-polar, at codon 943 of the DCHS1 protein (p.Val943Met). The frequency data for this variant in the population databases is considered unreliable, as metrics indicate poor data quality at this position in the gnomAD database. This variant has not been reported in the literature in individuals affected with DCHS1-related conditions. ClinVar contains an entry for this variant (Variation ID: 3271058). Invitae Evidence Modeling of protein sequence and biophysical properties (such as structural, functional, and spatial information, amino acid conservation, physicochemical variation, residue mobility, and thermodynamic stability) indicates that this missense variant is expected to disrupt DCHS1 protein function with a positive predictive value of 80%. In summary, the available evidence is currently insufficient to determine the role of this variant in disease. Therefore, it has been classified as a Variant of Uncertain Significance.

Ambry Genetics
Classification: Uncertain significance for Inborn genetic diseases. Last evaluated: 2024-05-06. Review status: criteria provided, single submitter. Criteria: Ambry Variant Classification Scheme 2023. Collection method: clinical testing. Allele origin: germline.

NM_003737.4(DCHS1):c.2827G>A (p.Val943Met)

Gene: DCHS1 (dachsous cadherin-related 1; minus strand). Cytogenetic location: 11p15.4.
Variant type: single nucleotide variant.
Coding change: c.2827G>A on transcript NM_003737.4 (MANE Select); coding-DNA position 2827, G replaced by A.
Protein change: p.Val943Met; replaces valine 943 with methionine.
Molecular consequence: missense variant.
Genome position (GRCh38, 1-based): chr11:6,632,685, C>T on the plus strand (G>A on the coding strand, the complement: DCHS1 is on the minus strand). VCF-style: chr11-6632685-C-T. GRCh37 (hg19) VCF-style: chr11-6653916-C-T.
Other names: short protein forms V943M.
Identifiers: ClinVar variation 3271058 (VCV003271058.2).